The following is an entry in ClinVar:

NM_000350.3(ABCA4):c.3191-20C>T

Gene: ABCA4 (ATP binding cassette subfamily A member 4; minus strand). Cytogenetic location: 1p22.1.
Variant type: single nucleotide variant.
Coding change: c.3191-20C>T on transcript NM_000350.3 (MANE Select); 20 bases into the intron before coding-DNA position 3191, C replaced by T.
Molecular consequence: intron variant.
Genome position (GRCh38, 1-based): chr1:94,042,918, G>A on the plus strand (C>T on the coding strand, the complement: ABCA4 is on the minus strand). VCF-style: chr1-94042918-G-A. GRCh37 (hg19) VCF-style: chr1-94508474-G-A.
Identifiers: ClinVar variation 99204 (VCV000099204.11), dbSNP rs61754036, ClinGen allele CA227089.

ClinVar aggregate classification (germline): Benign/Likely benign. Review status: criteria provided, multiple submitters, no conflicts (2 of 4 stars). 5 submissions from 5 submitters: Benign (1); Likely benign (2). 2 of the submissions do not count toward it. Last evaluated 2026-01-05.

Conditions:
ABCA4-related disorder. Also called: ABCA4-related disorders; ABCA4-related condition. Identifiers: MedGen CN239167.

Allele frequency attached by ClinVar (database versions not stated): ESP Exome Variant Server 0.00169; gnomAD exomes 0.00015 and 0.00037; ExAC 0.00044; 1000 Genomes Project 30x 0.00062; 1000 Genomes Project 0.00080; gnomAD 0.00121 and 0.00130; TOPMed 0.00127.
gnomAD v4.1: 425 of 1,614,120 alleles (0.026%); highest among the groups gnomAD compares: African/African-American, 0.4%; 2 homozygotes.

Submissions (5):

Labcorp Genetics (formerly Invitae), Labcorp
Classification: Benign. Last evaluated: 2026-01-05. Review status: criteria provided, single submitter. Criteria: Invitae Variant Classification Sherloc (09022015). Collection method: clinical testing. Allele origin: germline.

Blueprint Genetics
Classification: Likely benign. Last evaluated: 2024-02-15. Review status: criteria provided, single submitter. Criteria: ACMG Guidelines, 2015. Collection method: clinical testing. Allele origin: germline.

GeneDx
Classification: Likely benign. Last evaluated: 2017-07-07. Review status: criteria provided, single submitter. Criteria: GeneDx Variant Classification (06012015). Collection method: clinical testing. Allele origin: germline. Affected: yes.
Comment: This variant is considered likely benign or benign based on one or more of the following criteria: it is a conservative change, it occurs at a poorly conserved position in the protein, it is predicted to be benign by multiple in silico algorithms, and/or has population frequency not consistent with disease.

PreventionGenetics, part of Exact Sciences
Classification: Likely benign for ABCA4-related condition. Last evaluated: 2024-08-15. Review status: no assertion criteria provided. Collection method: clinical testing. Allele origin: germline. Not counted in ClinVar's aggregate classification.
Comment: This variant is classified as likely benign based on ACMG/AMP sequence variant interpretation guidelines (Richards et al. 2015 PMID: 25741868, with internal and published modifications).

Retina International
No classification provided. Review status: no classification provided. Collection method: not provided. Allele origin: not provided. Not counted in ClinVar's aggregate classification.